The following is an entry in ClinVar:

ClinVar aggregate classification (germline): Uncertain significance. Review status: criteria provided, multiple submitters, no conflicts (2 of 4 stars). 2 submissions from 2 submitters: Uncertain significance (2). Last evaluated 2024-02-06.

Allele frequency attached by ClinVar (database versions not stated): gnomAD 0.00001; TOPMed 0.00003.
gnomAD v4.1: 1 of 1,613,748 alleles (0.000062%); highest among the groups gnomAD compares: East Asian, 0.0022%; no homozygotes.

Submissions (2):

Labcorp Genetics (formerly Invitae), Labcorp
Classification: Uncertain significance. Last evaluated: 2024-02-06. Review status: criteria provided, single submitter. Criteria: Invitae Variant Classification Sherloc (09022015). Collection method: clinical testing. Allele origin: germline.
Comment: This sequence change replaces serine, which is neutral and polar, with leucine, which is neutral and non-polar, at codon 402 of the IL12RB2 protein (p.Ser402Leu). This variant is present in population databases (no rsID available, gnomAD 0.06%). This variant has not been reported in the literature in individuals affected with IL12RB2-related conditions. ClinVar contains an entry for this variant (Variation ID: 2603905). An algorithm developed to predict the effect of missense changes on protein structure and function (PolyPhen-2) suggests that this variant is likely to be disruptive. In summary, the available evidence is currently insufficient to determine the role of this variant in disease. Therefore, it has been classified as a Variant of Uncertain Significance.

Ambry Genetics
Classification: Uncertain significance. Last evaluated: 2023-06-16. Review status: criteria provided, single submitter. Criteria: Ambry Variant Classification Scheme 2023. Collection method: clinical testing. Allele origin: germline.

NM_001374259.2(IL12RB2):c.1205C>T (p.Ser402Leu)

Gene: IL12RB2 (interleukin 12 receptor subunit beta 2; plus strand). Cytogenetic location: 1p31.3.
Variant type: single nucleotide variant.
Coding change: c.1205C>T on transcript NM_001374259.2 (MANE Select); coding-DNA position 1205, C replaced by T.
Protein change: p.Ser402Leu; replaces serine 402 with leucine.
Molecular consequence: missense variant. On other transcripts: non-coding transcript variant (2).
Genome position (GRCh38, 1-based): chr1:67,351,036, C>T. VCF-style: chr1-67351036-C-T. GRCh37 (hg19) VCF-style: chr1-67816719-C-T.
Other names: c.1205C>T, p.Ser402Leu (NM_001258214.1, NM_001258215.1, NM_001258216.1 and 2 more transcripts); short protein forms S402L.
Identifiers: ClinVar variation 2603905 (VCV002603905.4), dbSNP rs1211868014, ClinGen allele CA340736837.